The following is an entry in ClinVar:

ClinVar aggregate classification (germline): Likely benign (1 of 4 stars; one submission).

Allele frequency attached by ClinVar (database versions not stated): TOPMed below 0.00001; gnomAD 0.00001.
gnomAD v4.1: 1 of 1,610,694 alleles (0.000062%); highest among the groups gnomAD compares: Non-Finnish European, 0.000085%; no homozygotes.

Submission:

GeneDx
Classification: Likely benign. Last evaluated: 2017-05-01. Review status: criteria provided, single submitter. Criteria: GeneDx Variant Classification (06012015). Collection method: clinical testing. Allele origin: germline. Affected: yes.
Comment: This variant is considered likely benign or benign based on one or more of the following criteria: it is a conservative change, it occurs at a poorly conserved position in the protein, it is predicted to be benign by multiple in silico algorithms, and/or has population frequency not consistent with disease.

NM_003849.4(SUCLG1):c.202-18T>C

Gene: SUCLG1 (succinate-CoA ligase GDP/ADP-forming subunit alpha; minus strand). Cytogenetic location: 2p11.2.
Variant type: single nucleotide variant.
Coding change: c.202-18T>C on transcript NM_003849.4 (MANE Select); 18 bases into the intron before coding-DNA position 202, T replaced by C.
Molecular consequence: intron variant.
Genome position (GRCh38, 1-based): chr2:84,443,418, A>G on the plus strand (T>C on the coding strand, the complement: SUCLG1 is on the minus strand). VCF-style: chr2-84443418-A-G. GRCh37 (hg19) VCF-style: chr2-84670542-A-G.
Identifiers: ClinVar variation 509074 (VCV000509074.1), dbSNP rs1343564047, ClinGen allele CA658795826.
Genomic context (GRCh38, chr2:84,443,418, plus strand): 5'-GTTTGGTGCCATATTCCAATGCCTGCTGGCTGTGAAAGGTGCCCTGAGGGGAAAAAGCAC[A>G]AGATCCATGAGAAACAGCAGACTGGTAAGCCCAAGAGAAGCAAAAGCAATCTTAGCAACT-3'